The following is an entry in ClinVar:

NM_000350.3(ABCA4):c.2887G>A (p.Gly963Ser)

Gene: ABCA4 (ATP binding cassette subfamily A member 4; minus strand). Cytogenetic location: 1p22.1.
Variant type: single nucleotide variant.
Coding change: c.2887G>A on transcript NM_000350.3 (MANE Select); coding-DNA position 2887, G replaced by A.
Protein change: p.Gly963Ser; replaces glycine 963 with serine.
Molecular consequence: missense variant.
Genome position (GRCh38, 1-based): chr1:94,046,950, C>T on the plus strand (G>A on the coding strand, the complement: ABCA4 is on the minus strand). VCF-style: chr1-94046950-C-T. GRCh37 (hg19) VCF-style: chr1-94512506-C-T.
Other names: c.2665G>A, p.Gly889Ser (NM_001425324.1); short protein forms G889S, G963S.
Identifiers: ClinVar variation 4857699 (VCV004857699.1).

ClinVar aggregate classification (germline): Likely pathogenic (1 of 4 stars; one submission).

Conditions:
Severe early-childhood-onset retinal dystrophy (STGD1). Also called: Stargardt macular dystrophy; Juvenile onset macular degeneration; Stargardt disease 1; MACULAR DYSTROPHY WITH FLECKS, TYPE 1; STGD. Identifiers: Orphanet 364055, Orphanet 827, MedGen C1855465, MeSH D000080362, MONDO:0009549, OMIM 248200.

Submission:

Ningxia Clinical Research Institute, People's Hospital of Ningxia Hui Autonomous Region
Classification: Likely pathogenic for Severe early-childhood-onset retinal dystrophy. Review status: criteria provided, single submitter. Criteria: ACMG Guidelines, 2015. Collection method: clinical testing. Allele origin: inherited. Inheritance: Autosomal recessive inheritance. Affected: yes. Observed: 1 variant allele, 1 compound heterozygote.
Comment: The NM_000350.3 c.2887G>A (p.Gly963Ser) is a missense variant in ABCA4. Multiple in silico prediction tools suggest that this variant may have a deleterious effect on the gene or gene product (REVEL=0.99), providing strong evidence of pathogenicity (PP3_Strong). This variant is absent from the East Asian population in gnomAD (PM2_Supporting). In summary, this variant meets criteria to be classified as pathogenic for cone-rod dystrophy based on the ACMG/AMP criteria applied: PP3_Strong, PM2_Supporting, PP4.